The following is an entry in ClinVar:

NM_199420.4(POLQ):c.1916T>A (p.Met639Lys)

Gene: POLQ (DNA polymerase theta; minus strand). Cytogenetic location: 3q13.33.
Variant type: single nucleotide variant.
Coding change: c.1916T>A on transcript NM_199420.4 (MANE Select); coding-DNA position 1916, T replaced by A.
Protein change: p.Met639Lys; replaces methionine 639 with lysine.
Molecular consequence: missense variant.
Genome position (GRCh38, 1-based): chr3:121,509,604, A>T on the plus strand (T>A on the coding strand, the complement: POLQ is on the minus strand). VCF-style: chr3-121509604-A-T. GRCh37 (hg19) VCF-style: chr3-121228451-A-T.
Other names: short protein forms M639K.
Identifiers: ClinVar variation 2563878 (VCV002563878.2), dbSNP rs2048236350, ClinGen allele CA354113423.

ClinVar aggregate classification (germline): Uncertain significance (1 of 4 stars; one submission).

Submission:

Ambry Genetics
Classification: Uncertain significance. Last evaluated: 2023-05-29. Review status: criteria provided, single submitter. Criteria: Ambry Variant Classification Scheme 2023. Collection method: clinical testing. Allele origin: germline.
Comment: The p.M639K variant (also known as c.1916T>A), located in coding exon 12 of the POLQ gene, results from a T to A substitution at nucleotide position 1916. The methionine at codon 639 is replaced by lysine, an amino acid with similar properties. This amino acid position is conserved. In addition, the in silico prediction for this alteration is inconclusive. Since supporting evidence is limited at this time, the clinical significance of this alteration remains unclear.